The following is an entry in ClinVar:

NM_006231.4(POLE):c.1829T>G (p.Leu610Arg)

Gene: POLE (DNA polymerase epsilon, catalytic subunit; minus strand). Cytogenetic location: 12q24.33.
Variant type: single nucleotide variant.
Coding change: c.1829T>G on transcript NM_006231.4 (MANE Select); coding-DNA position 1829, T replaced by G.
Protein change: p.Leu610Arg; replaces leucine 610 with arginine.
Molecular consequence: missense variant.
Genome position (GRCh38, 1-based): chr12:132,668,905, A>C on the plus strand (T>G on the coding strand, the complement: POLE is on the minus strand). VCF-style: chr12-132668905-A-C. GRCh37 (hg19) VCF-style: chr12-133245491-A-C.
Other names: short protein forms L610R.
Identifiers: ClinVar variation 1056549 (VCV001056549.9), dbSNP rs2135979684, ClinGen allele CA387355571.

ClinVar aggregate classification (germline): Uncertain significance (1 of 4 stars; one submission).

Submission:

Labcorp Genetics (formerly Invitae), Labcorp
Classification: Uncertain significance. Last evaluated: 2020-01-06. Review status: criteria provided, single submitter. Criteria: Invitae Variant Classification Sherloc (09022015). Collection method: clinical testing. Allele origin: germline.
Comment: In summary, the available evidence is currently insufficient to determine the role of this variant in disease. Therefore, it has been classified as a Variant of Uncertain Significance. Algorithms developed to predict the effect of missense changes on protein structure and function (SIFT, PolyPhen-2, Align-GVGD) all suggest that this variant is likely to be disruptive, but these predictions have not been confirmed by published functional studies and their clinical significance is uncertain. This variant has not been reported in the literature in individuals with POLE-related conditions. This variant is not present in population databases (ExAC no frequency). This sequence change replaces leucine with arginine at codon 610 of the POLE protein (p.Leu610Arg). The leucine residue is highly conserved and there is a moderate physicochemical difference between leucine and arginine.